The following is an entry in ClinVar:

ClinVar aggregate classification (germline): Uncertain significance (1 of 4 stars; one submission).

Submission:

GeneDx
Classification: Uncertain significance. Last evaluated: 2019-03-25. Review status: criteria provided, single submitter. Criteria: GeneDx Variant Classification Process June 2021. Collection method: clinical testing. Allele origin: germline. Affected: yes.
Comment: Not observed in large population cohorts (Lek et al., 2016); In silico analysis, which includes protein predictors and evolutionary conservation, supports a deleterious effect; Has not been previously published as pathogenic or benign to our knowledge

NM_182961.4(SYNE1):c.24855G>T (p.Trp8285Cys)

Gene: SYNE1 (spectrin repeat containing nuclear envelope protein 1; minus strand). Cytogenetic location: 6q25.2.
Variant type: single nucleotide variant.
Coding change: c.24855G>T on transcript NM_182961.4 (MANE Select); coding-DNA position 24855, G replaced by T.
Protein change: p.Trp8285Cys; replaces tryptophan 8285 with cysteine.
Molecular consequence: missense variant.
Genome position (GRCh38, 1-based): chr6:152,148,166, C>A on the plus strand (G>T on the coding strand, the complement: SYNE1 is on the minus strand). VCF-style: chr6-152148166-C-A. GRCh37 (hg19) VCF-style: chr6-152469301-C-A.
Other names: c.1461G>T, p.Trp487Cys (NM_001347701.2); c.1320G>T, p.Trp440Cys (NM_001347702.2); c.24642G>T, p.Trp8214Cys (NM_033071.5); short protein forms W440C, W487C, W8214C, W8285C.
Identifiers: ClinVar variation 1308236 (VCV001308236.2), dbSNP rs2059832834, ClinGen allele CA366085127.